The following is an entry in ClinVar:

NM_014908.4(DOLK):c.1312C>T (p.Leu438Phe)

Gene: DOLK (dolichol kinase; minus strand). Cytogenetic location: 9q34.11.
Variant type: single nucleotide variant.
Coding change: c.1312C>T on transcript NM_014908.4 (MANE Select); coding-DNA position 1312, C replaced by T.
Protein change: p.Leu438Phe; replaces leucine 438 with phenylalanine.
Molecular consequence: missense variant.
Genome position (GRCh38, 1-based): chr9:128,945,992, G>A on the plus strand (C>T on the coding strand, the complement: DOLK is on the minus strand). VCF-style: chr9-128945992-G-A. GRCh37 (hg19) VCF-style: chr9-131708271-G-A.
Other names: short protein forms L438F.
Identifiers: ClinVar variation 1017565 (VCV001017565.9), dbSNP rs112448460, ClinGen allele CA200444462.

ClinVar aggregate classification (germline): Uncertain significance (1 of 4 stars; one submission).

Conditions:
DK1-congenital disorder of glycosylation. Also called: DOLK-congenital disorder of glycosylation; Carbohydrate deficient glycoprotein syndrome type 1m; CONGENITAL DISORDER OF GLYCOSYLATION, TYPE Im; DK1-CDG; CDG Im; DK1 DEFICIENCY. Identifiers: Orphanet 91131, MedGen C1835849, MONDO:0012556, OMIM 610768.

Allele frequency attached by ClinVar (database versions not stated): gnomAD exomes below 0.00001; gnomAD 0.00001.
gnomAD v4.1: 6 of 1,614,194 alleles (0.00037%); highest among the groups gnomAD compares: Non-Finnish European, 0.000085%; no homozygotes.

Submission:

Labcorp Genetics (formerly Invitae), Labcorp
Classification: Uncertain significance for DK1-congenital disorder of glycosylation. Last evaluated: 2022-07-11. Review status: criteria provided, single submitter. Criteria: Invitae Variant Classification Sherloc (09022015). Collection method: clinical testing. Allele origin: germline.
Comment: In summary, the available evidence is currently insufficient to determine the role of this variant in disease. Therefore, it has been classified as a Variant of Uncertain Significance. Algorithms developed to predict the effect of missense changes on protein structure and function are either unavailable or do not agree on the potential impact of this missense change (SIFT: "Deleterious"; PolyPhen-2: "Possibly Damaging"; Align-GVGD: "Class C0"). ClinVar contains an entry for this variant (Variation ID: 1017565). This variant has not been reported in the literature in individuals affected with DOLK-related conditions. This variant is not present in population databases (gnomAD no frequency). This sequence change replaces leucine, which is neutral and non-polar, with phenylalanine, which is neutral and non-polar, at codon 438 of the DOLK protein (p.Leu438Phe).